The following is an entry in ClinVar:

ClinVar aggregate classification (germline): Uncertain significance (1 of 4 stars; one submission).

Conditions:
Lethal multiple pterygium syndrome (LMPS). Identifiers: Orphanet 33108, MedGen C1854678, MONDO:0009668, OMIM 253290.

Submission:

Labcorp Genetics (formerly Invitae), Labcorp
Classification: Uncertain significance for Lethal multiple pterygium syndrome. Last evaluated: 2024-05-22. Review status: criteria provided, single submitter. Criteria: Invitae Variant Classification Sherloc (09022015). Collection method: clinical testing. Allele origin: germline.
Comment: This sequence change replaces valine, which is neutral and non-polar, with isoleucine, which is neutral and non-polar, at codon 279 of the CHRNA1 protein (p.Val279Ile). This variant is not present in population databases (gnomAD no frequency). This variant has not been reported in the literature in individuals affected with CHRNA1-related conditions. Advanced modeling of protein sequence and biophysical properties (such as structural, functional, and spatial information, amino acid conservation, physicochemical variation, residue mobility, and thermodynamic stability) performed at Invitae indicates that this missense variant is not expected to disrupt CHRNA1 protein function with a negative predictive value of 80%. In summary, the available evidence is currently insufficient to determine the role of this variant in disease. Therefore, it has been classified as a Variant of Uncertain Significance.

NM_000079.4(CHRNA1):c.835G>A (p.Val279Ile)

Gene: CHRNA1 (cholinergic receptor nicotinic alpha 1 subunit; minus strand). Cytogenetic location: 2q31.1.
Variant type: single nucleotide variant.
Coding change: c.835G>A on transcript NM_000079.4 (MANE Select); coding-DNA position 835, G replaced by A.
Protein change: p.Val279Ile; replaces valine 279 with isoleucine.
Molecular consequence: missense variant.
Genome position (GRCh38, 1-based): chr2:174,750,113, C>T on the plus strand (G>A on the coding strand, the complement: CHRNA1 is on the minus strand). VCF-style: chr2-174750113-C-T. GRCh37 (hg19) VCF-style: chr2-175614841-C-T.
Other names: c.910G>A, p.Val304Ile (NM_001039523.3); short protein forms V279I, V304I.
Identifiers: ClinVar variation 3706354 (VCV003706354.2).